The following is an entry in ClinVar:

NM_001048174.2(MUTYH):c.968del (p.Gln323fs)

Gene: MUTYH (mutY DNA glycosylase; minus strand). Cytogenetic location: 1p34.1.
Variant type: Deletion.
Coding change: c.968del on transcript NM_001048174.2 (MANE Select); coding-DNA position 968, one base deleted (A; older notation c.968delA).
Protein change: p.Gln323fs; shifts the reading frame from glutamine 323.
Molecular consequence: frameshift variant. On other transcripts: non-coding transcript variant (7).
Genome position (GRCh38, 1-based): chr1:45,331,795, T deleted on the plus strand (A on the coding strand, the reverse complement: MUTYH is on the minus strand). VCF-style (leftmost placement, unchanged base first): chr1-45331794-CT-C. GRCh37 (hg19) VCF-style: chr1-45797466-CT-C.
Other names: c.968del, p.Gln323fs (NM_001048171.2, NM_001048173.2, NM_001293195.2 and 6 more transcripts); c.971del, p.Gln324fs (NM_001048172.2, NM_001407071.1, NM_001407078.1 and 1 more transcripts); c.1052del, p.Gln351fs (NM_001128425.2); c.1013del, p.Gln338fs (NM_001293190.2); c.1001del, p.Gln334fs (NM_001293191.2, NM_001407069.1, NM_001407077.1); c.692del, p.Gln231fs (NM_001293192.2, NM_001293196.2, NM_001407091.1); c.623del, p.Gln208fs (NM_001350650.2, NM_001350651.2, NM_001407082.1); c.884del, p.Gln295fs (NM_001407075.1); and 5 more; short protein forms Q208fs, Q231fs, Q295fs, Q309fs, Q310fs, Q323fs, Q324fs, Q330fs.
Identifiers: ClinVar variation 4805992 (VCV004805992.1).

ClinVar aggregate classification (germline): Pathogenic (1 of 4 stars; one submission).

Conditions:
Familial adenomatous polyposis 2. Also called: COLORECTAL ADENOMATOUS POLYPOSIS, AUTOSOMAL RECESSIVE; ADENOMAS, MULTIPLE COLORECTAL, AUTOSOMAL RECESSIVE; FAP type 2; MUTYH Polyposis; MYH-associated polyposis; Adenomas, multiple colorectal. Identifiers: Orphanet 220460, Orphanet 247798, MedGen C3272841, MONDO:0012041, OMIM 608456.

Submission:

Labcorp Genetics (formerly Invitae), Labcorp
Classification: Pathogenic for Familial adenomatous polyposis 2. Last evaluated: 2025-12-17. Review status: criteria provided, single submitter. Criteria: Invitae Variant Classification Sherloc (09022015). Collection method: clinical testing. Allele origin: germline.
Comment: This sequence change creates a premature translational stop signal (p.Gln351Argfs*57) in the MUTYH gene. It is expected to result in an absent or disrupted protein product. Loss-of-function variants in MUTYH are known to be pathogenic (PMID: 18534194, 20663686). This variant is not present in population databases (gnomAD no frequency). This variant has not been reported in the literature in individuals affected with MUTYH-related conditions. For these reasons, this variant has been classified as Pathogenic.

Literature cited by the submitters: PubMed 18534194; PubMed 20663686.